The following is an entry in ClinVar:

ClinVar aggregate classification (germline): Uncertain significance. Review status: criteria provided, multiple submitters, no conflicts (2 of 4 stars). 2 submissions from 2 submitters: Uncertain significance (2). Last evaluated 2026-07-21.

Conditions:
PCNT-related disorder. Also called: PCNT-related condition.

Allele frequency attached by ClinVar (database versions not stated): ExAC below 0.00001; gnomAD exomes 0.00002; gnomAD 0.00006 and 0.00007; TOPMed 0.00008.
gnomAD v4.1: 37 of 1,560,438 alleles (0.0024%); highest among the groups gnomAD compares: African/African-American, 0.027%; 1 homozygote.

Submissions (2):

PreventionGenetics, part of Exact Sciences
Classification: Uncertain significance for PCNT-related condition. Last evaluated: 2026-07-21. Review status: criteria provided, single submitter. Criteria: ACMG Guidelines, 2015. Collection method: clinical testing. Allele origin: germline.
Comment: The PCNT c.4163G>A variant is predicted to result in the amino acid substitution p.Arg1388His. To our knowledge, this variant has not been reported in the literature. This variant is reported in 0.017% of alleles in individuals of African descent in gnomAD. At this time, the clinical significance of this variant is uncertain due to the absence of conclusive functional and genetic evidence.

Genetic Services Laboratory, University of Chicago
Classification: Uncertain significance. Last evaluated: 2017-01-19. Review status: criteria provided, single submitter. Criteria: ACMG Guidelines, 2015. Collection method: clinical testing. Allele origin: germline. Affected: no.

NM_006031.6(PCNT):c.4163G>A (p.Arg1388His)

Gene: PCNT (pericentrin; plus strand). Cytogenetic location: 21q22.3.
Variant type: single nucleotide variant.
Coding change: c.4163G>A on transcript NM_006031.6 (MANE Select); coding-DNA position 4163, G replaced by A.
Protein change: p.Arg1388His; replaces arginine 1388 with histidine.
Molecular consequence: missense variant.
Genome position (GRCh38, 1-based): chr21:46,391,323, G>A. VCF-style: chr21-46391323-G-A. GRCh37 (hg19) VCF-style: chr21-47811238-G-A.
Other names: c.3809G>A, p.Arg1270His (NM_001315529.2); short protein forms R1388H, R1270H.
Identifiers: ClinVar variation 436193 (VCV000436193.9), dbSNP rs775895650, ClinGen allele CA10079550.